The following is an entry in ClinVar:

NM_001281775.3(ZMYND8):c.2714C>T (p.Thr905Ile)

Gene: ZMYND8 (zinc finger MYND-type containing 8; minus strand). Cytogenetic location: 20q13.12.
Variant type: single nucleotide variant.
Coding change: c.2714C>T on transcript NM_001281775.3 (MANE Select); coding-DNA position 2714, C replaced by T.
Protein change: p.Thr905Ile; replaces threonine 905 with isoleucine.
Molecular consequence: missense variant.
Genome position (GRCh38, 1-based): chr20:47,236,468, G>A on the plus strand (C>T on the coding strand, the complement: ZMYND8 is on the minus strand). VCF-style: chr20-47236468-G-A. GRCh37 (hg19) VCF-style: chr20-45865212-G-A.
Other names: c.2258C>T, p.Thr753Ile (NM_001281771.3); c.2654C>T, p.Thr885Ile (NM_001281772.3, NM_001281773.3, NM_001363741.2); c.2516C>T, p.Thr839Ile (NM_001281774.3); c.2333C>T, p.Thr778Ile (NM_001281776.3); c.2501C>T, p.Thr834Ile (NM_001281777.3, NM_001281782.3, NM_183048.4); c.2639C>T, p.Thr880Ile (NM_001281778.3); c.1772C>T, p.Thr591Ile (NM_001281779.3, NM_001281780.3); c.2360C>T, p.Thr787Ile (NM_001281781.3); and 4 more; short protein forms T591I, T753I, T778I, T787I, T833I, T834I, T839I, T859I.
Identifiers: ClinVar variation 5018195 (VCV005018195.1).

ClinVar aggregate classification (germline): Uncertain significance (1 of 4 stars; one submission).

Submission:

GeneDx
Classification: Uncertain significance. Last evaluated: 2026-04-06. Review status: criteria provided, single submitter. Criteria: GeneDx Variant Classification Process June 2021. Collection method: clinical testing. Allele origin: germline.
Comment: Not observed at significant frequency in large population cohorts (gnomAD); In silico analysis suggests that this missense variant does not alter protein structure/function; Has not been previously published as pathogenic or benign to our knowledge